The following is an entry in ClinVar:

ClinVar aggregate classification (germline): Pathogenic. Review status: criteria provided, multiple submitters, no conflicts (2 of 4 stars). 3 submissions from 3 submitters: Pathogenic (2). 1 of the submissions does not count toward it. Last evaluated 2022-02-24.

Conditions:
Arginase deficiency. Also called: ARGININEMIA; ARG1 DEFICIENCY; Arginase 1 Deficiency. Identifiers: Orphanet 90, MedGen C0268548, MONDO:0008814, OMIM 207800.

Submissions (3):

Baylor Genetics
Classification: Pathogenic for Arginase deficiency. Last evaluated: 2022-02-24. Review status: criteria provided, single submitter. Criteria: ACMG Guidelines, 2015. Collection method: clinical testing. Allele origin: unknown.

Labcorp Genetics (formerly Invitae), Labcorp
Classification: Pathogenic for Arginase deficiency. Last evaluated: 2020-04-23. Review status: criteria provided, single submitter. Criteria: Invitae Variant Classification Sherloc (09022015). Collection method: clinical testing. Allele origin: germline.
Comment: This sequence change affects the initiator methionine of the ARG1 mRNA. The next in-frame methionine is located at codon 200. This variant is not present in population databases (ExAC no frequency). This variant has been observed to be homozygous in an individual affected with arginase deficiency (PMID: 29726057). ClinVar contains an entry for this variant (Variation ID: 555971). This variant disrupts the p.Ile11 amino acid residue in ARG1. Other variant(s) that disrupt this residue have been determined to be pathogenic (PMID: 7649538, 21310339, 22959135, 26310552, 29726057). This suggests that this residue is clinically significant, and that variants that disrupt this residue are likely to be disease-causing. For these reasons, this variant has been classified as Pathogenic.

Counsyl
Classification: Likely pathogenic for Arginase deficiency. Last evaluated: 2018-01-04. Review status: no assertion criteria provided. Collection method: clinical testing. Allele origin: unknown. Not counted in ClinVar's aggregate classification.

Literature cited by the submitters: PubMed 29726057 (cited by Labcorp Genetics (formerly Invitae), Labcorp); PubMed 7649538 (cited by Labcorp Genetics (formerly Invitae), Labcorp); PubMed 21310339 (cited by Labcorp Genetics (formerly Invitae), Labcorp); PubMed 22959135 (cited by Labcorp Genetics (formerly Invitae), Labcorp); PubMed 26310552 (cited by Labcorp Genetics (formerly Invitae), Labcorp).

NM_000045.4(ARG1):c.2T>C (p.Met1Thr)

Gene: ARG1 (arginase 1; plus strand). Cytogenetic location: 6q23.2.
Variant type: single nucleotide variant.
Coding change: c.2T>C on transcript NM_000045.4 (MANE Select); coding-DNA position 2, T replaced by C.
Protein change: p.Met1Thr; changes the start codon (methionine 1).
Molecular consequence: missense variant, initiator codon variant. On other transcripts: non-coding transcript variant (1).
Genome position (GRCh38, 1-based): chr6:131,573,284, T>C. VCF-style: chr6-131573284-T-C. GRCh37 (hg19) VCF-style: chr6-131894424-T-C.
Other names: c.2T>C, p.Met1Thr (NM_001244438.2, NM_001369020.1); short protein forms M1T.
Identifiers: ClinVar variation 555971 (VCV000555971.12), dbSNP rs1554249332, ClinGen allele CA365648974.